The following is an entry in ClinVar:

NM_001042492.3(NF1):c.5578C>T (p.Leu1860Phe)

Gene: NF1 (neurofibromin 1; plus strand). Cytogenetic location: 17q11.2.
Variant type: single nucleotide variant.
Coding change: c.5578C>T on transcript NM_001042492.3 (MANE Select); coding-DNA position 5578, C replaced by T.
Protein change: p.Leu1860Phe; replaces leucine 1860 with phenylalanine.
Molecular consequence: missense variant.
Genome position (GRCh38, 1-based): chr17:31,327,808, C>T. VCF-style: chr17-31327808-C-T. GRCh37 (hg19) VCF-style: chr17-29654826-C-T.
Other names: c.5515C>T, p.Leu1839Phe (NM_000267.4); short protein forms L1839F, L1860F.
Identifiers: ClinVar variation 3634573 (VCV003634573.2).

ClinVar aggregate classification (germline): Uncertain significance (1 of 4 stars; one submission).

Conditions:
Neurofibromatosis, type 1 (NF1). Also called: VON RECKLINGHAUSEN DISEASE; Peripheral type neurofibromatosis; NEUROFIBROMATOSIS, TYPE I, SOMATIC; Neurofibromatosis, type I. Identifiers: Orphanet 636, MedGen C0027831, MONDO:0018975, OMIM 162200. Disease mechanism: loss of function.

Submission:

Labcorp Genetics (formerly Invitae), Labcorp
Classification: Uncertain significance for Neurofibromatosis, type 1. Last evaluated: 2024-11-04. Review status: criteria provided, single submitter. Criteria: Invitae Variant Classification Sherloc (09022015). Collection method: clinical testing. Allele origin: germline.
Comment: This sequence change replaces leucine, which is neutral and non-polar, with phenylalanine, which is neutral and non-polar, at codon 1839 of the NF1 protein (p.Leu1839Phe). This variant is not present in population databases (gnomAD no frequency). This variant has not been reported in the literature in individuals affected with NF1-related conditions. Invitae Evidence Modeling of protein sequence and biophysical properties (such as structural, functional, and spatial information, amino acid conservation, physicochemical variation, residue mobility, and thermodynamic stability) indicates that this missense variant is expected to disrupt NF1 protein function with a positive predictive value of 95%. In summary, the available evidence is currently insufficient to determine the role of this variant in disease. Therefore, it has been classified as a Variant of Uncertain Significance.